The following is an entry in ClinVar:

ClinVar aggregate classification (germline): Uncertain significance (1 of 4 stars; one submission).

Submission:

Labcorp Genetics (formerly Invitae), Labcorp
Classification: Uncertain significance. Last evaluated: 2023-04-13. Review status: criteria provided, single submitter. Criteria: Invitae Variant Classification Sherloc (09022015). Collection method: clinical testing. Allele origin: germline.
Comment: In summary, the available evidence is currently insufficient to determine the role of this variant in disease. Therefore, it has been classified as a Variant of Uncertain Significance. This variant has not been reported in the literature in individuals affected with MYH9-related conditions. This variant is not present in population databases (gnomAD no frequency). This variant, c.4274_4294dup, results in the insertion of 7 amino acid(s) of the MYH9 protein (p.Leu1425_His1431dup), but otherwise preserves the integrity of the reading frame.

NM_002473.6(MYH9):c.4274_4294dup (p.His1431_Gln1432insLeuLeuValAspLeuAspHis)

Gene: MYH9 (myosin heavy chain 9; minus strand). Cytogenetic location: 22q12.3.
Variant type: Duplication.
Coding change: c.4274_4294dup on transcript NM_002473.6 (MANE Select); coding-DNA positions 4274 to 4294, 21 bases duplicated (TGCTGGTGGACCTGGACCACC).
Protein change: p.His1431_Gln1432insLeuLeuValAspLeuAspHis.
Molecular consequence: inframe insertion.
Genome position (GRCh38, 1-based): chr22:36,292,036-36,292,056, GGTGGTCCAGGTCCACCAGCA duplicated on the plus strand (TGCTGGTGGACCTGGACCACC on the coding strand, the reverse complement: MYH9 is on the minus strand); duplicating any 21 consecutive bases within chr22:36,292,036-36,292,059 gives the same sequence; the c. name uses the placement nearest the transcript's 3' end. VCF-style (leftmost placement, unchanged base first): chr22-36292035-T-TGGTGGTCCAGGTCCACCAGCA. GRCh37 (hg19) VCF-style: chr22-36688081-T-TGGTGGTCCAGGTCCACCAGCA.
Identifiers: ClinVar variation 2855854 (VCV002855854.3), dbSNP rs2517958140, ClinGen allele CA2739267965.
Genomic context (GRCh38, chr22:36,292,035, plus strand): 5'-CGGCCACACACCTGGTCAAACTTCTTCTGCTTCTTCTCCAGGTTGCACGCGCTCTGGCGC[T>TGGTGGTCCAGGTCCACCAGCA]GGTGGTCCAGGTCCACCAGCAGGTCGTCCAGCTCCTGCTGCAGCCGCGTCTTGGTCTTCT-3'